The following is an entry in ClinVar:

NM_006035.4(CDC42BPB):c.2726+7G>C

Gene: CDC42BPB (CDC42 binding protein kinase beta; minus strand). Cytogenetic location: 14q32.32.
Variant type: single nucleotide variant.
Coding change: c.2726+7G>C on transcript NM_006035.4 (MANE Select); 7 bases into the intron after coding-DNA position 2726, G replaced by C.
Molecular consequence: intron variant.
Genome position (GRCh38, 1-based): chr14:102,964,495, C>G on the plus strand (G>C on the coding strand, the complement: CDC42BPB is on the minus strand). VCF-style: chr14-102964495-C-G. GRCh37 (hg19) VCF-style: chr14-103430832-C-G.
Other names: c.2726+7G>C (NM_001411054.1).
Identifiers: ClinVar variation 5039971 (VCV005039971.1).

ClinVar aggregate classification (germline): Uncertain significance (1 of 4 stars; one submission).

gnomAD v4.1: 1 of 1,613,148 alleles (0.000062%); highest among the groups gnomAD compares: Admixed American, 0.0017%; no homozygotes.

Submission:

CeGaT Center for Human Genetics Tuebingen
Classification: Uncertain significance. Last evaluated: 2026-07-01. Review status: criteria provided, single submitter. Criteria: CeGaT Center For Human Genetics Tuebingen Variant Classification Criteria Version 2. Collection method: clinical testing. Allele origin: germline. Affected: yes. Observed: 1 variant allele.
Comment: CDC42BPB: PM2